The following is an entry in ClinVar:

ClinVar aggregate classification (germline): Likely pathogenic. Review status: criteria provided, single submitter (1 of 4 stars). 2 submissions from 2 submitters: Likely pathogenic (1). 1 of the submissions does not count toward it. Last evaluated 2023-07-11.

Conditions:
Optic atrophy. Identifiers: MedGen C0029124, MONDO:0003608, HP:0000648.

Submissions (2):

Centre of Medical Genetics, University Hospital Muenster
Classification: Likely pathogenic. Last evaluated: 2023-07-11. Review status: criteria provided, single submitter. Criteria: ACMG Guidelines, 2015. Collection method: clinical testing. Allele origin: de novo. Affected: yes. Observed: 1 variant allele, 1 heterozygote.
Comment: ACMG categories: PS2,PM2,PP3,PP4

Institute of Human Genetics, Univ. Regensburg, Univ. Regensburg
Classification: Likely pathogenic for Optic atrophy. Last evaluated: 2018-01-01. Review status: no assertion criteria provided. Criteria: ACMG Guidelines, 2015. Collection method: clinical testing. Allele origin: germline. Affected: yes. Not counted in ClinVar's aggregate classification.

NM_130837.3(OPA1):c.3011T>G (p.Leu1004Arg)

Gene: OPA1 (OPA1 mitochondrial dynamin like GTPase; plus strand). Cytogenetic location: 3q29.
Variant type: single nucleotide variant.
Coding change: c.3011T>G on transcript NM_130837.3 (MANE Select); coding-DNA position 3011, T replaced by G.
Protein change: p.Leu1004Arg; replaces leucine 1004 with arginine.
Molecular consequence: missense variant.
Genome position (GRCh38, 1-based): chr3:193,692,090, T>G. VCF-style: chr3-193692090-T-G. GRCh37 (hg19) VCF-style: chr3-193409879-T-G.
Other names: c.2477T>G, p.Leu826Arg (NM_001354663.2); c.2474T>G, p.Leu825Arg (NM_001354664.2); c.2846T>G, p.Leu949Arg (NM_015560.3); c.2738T>G, p.Leu913Arg (NM_130831.3); c.2792T>G, p.Leu931Arg (NM_130832.3); c.2849T>G, p.Leu950Arg (NM_130833.3); c.2900T>G, p.Leu967Arg (NM_130834.3); c.2903T>G, p.Leu968Arg (NM_130835.3); and 1 more; short protein forms L1004R, L825R, L826R, L913R, L931R, L949R, L950R, L967R.
Identifiers: ClinVar variation 3250048 (VCV003250048.3).